The following is an entry in ClinVar:

NM_005120.3(MED12):c.6384A>G (p.Gln2128=)

Gene: MED12 (mediator complex subunit 12; plus strand). Cytogenetic location: Xq13.1.
Variant type: single nucleotide variant.
Coding change: c.6384A>G on transcript NM_005120.3 (MANE Select); coding-DNA position 6384, A replaced by G.
Protein change: p.Gln2128=; no amino-acid change (glutamine 2128 retained).
Molecular consequence: synonymous variant.
Genome position (GRCh38, 1-based): chrX:71,141,346, A>G. VCF-style: chrX-71141346-A-G. GRCh37 (hg19) VCF-style: chrX-70361196-A-G.
Identifiers: ClinVar variation 966265 (VCV000966265.12), dbSNP rs1569482811, ClinGen allele CA516728621.
Genomic context (GRCh38, chrX:71,141,346, plus strand): 5'-GCAGCAACAGCAACAACAGCAACACCAGCAGCAACAGCAGCAACAGGCGGCTCCTCCCCA[A>G]CCCCAGCCCCAGTCCCAGCCCCAGGTAGCTGCTGGACTACAGCCCCAGGCTCAGGGACAG-3'
Protein context (NP_005111.2, residues 2118-2138): QQQQQQAAPP[Gln2128=]PQPQSQPQFQ

ClinVar aggregate classification (germline): Likely benign. Review status: criteria provided, single submitter (1 of 4 stars). 2 submissions from 2 submitters: Likely benign (1). 1 of the submissions does not count toward it. Last evaluated 2025-06-01.

Conditions:
MED12-Related Disorders. Also called: MED12-related condition; MED12-related disorder. Identifiers: MedGen CN381102.
FG syndrome (FGS). Identifiers: MedGen C0220769, MONDO:0002010.

Submissions (2):

Labcorp Genetics (formerly Invitae), Labcorp
Classification: Likely benign for FG syndrome. Last evaluated: 2025-06-01. Review status: criteria provided, single submitter. Criteria: Invitae Variant Classification Sherloc (09022015). Collection method: clinical testing. Allele origin: germline.

PreventionGenetics, part of Exact Sciences
Classification: Likely benign for MED12-related condition. Last evaluated: 2023-07-18. Review status: no assertion criteria provided. Collection method: clinical testing. Allele origin: germline. Not counted in ClinVar's aggregate classification.
Comment: This variant is classified as likely benign based on ACMG/AMP sequence variant interpretation guidelines (Richards et al. 2015 PMID: 25741868, with internal and published modifications).